The following is an entry in ClinVar:

NM_001165963.4(SCN1A):c.4511del (p.Gln1504fs)

Genes: SCN1A (sodium voltage-gated channel alpha subunit 1; minus strand), LOC102724058 (uncharacterized LOC102724058; plus strand). Cytogenetic location: 2q24.3.
Variant type: Deletion.
Coding change: c.4511del on transcript NM_001165963.4 (MANE Select); coding-DNA position 4511, one base deleted (A; older notation c.4511delA).
Protein change: p.Gln1504fs; shifts the reading frame from glutamine 1504.
Molecular consequence: frameshift variant. On other transcripts: non-coding transcript variant (1).
Genome position (GRCh38, 1-based): chr2:165,996,083, T deleted on the plus strand (A on the coding strand, the reverse complement: SCN1A is on the minus strand). VCF-style (leftmost placement, unchanged base first): chr2-165996082-CT-C. GRCh37 (hg19) VCF-style: chr2-166852592-CT-C.
Other names: c.4427del, p.Gln1476fs (NM_001165964.3, NM_001353957.2, NM_001353958.2); c.4511del, p.Gln1504fs (NM_001202435.3, NM_001353948.2); c.4478del, p.Gln1493fs (NM_001353949.2, NM_001353950.2, NM_001353951.2 and 2 more transcripts); c.4475del, p.Gln1492fs (NM_001353954.2, NM_001353955.2); c.4424del, p.Gln1475fs (NM_001353960.2); c.2069del, p.Gln690fs (NM_001353961.2); short protein forms Q1475fs, Q1476fs, Q1492fs, Q1493fs, Q1504fs, Q690fs.
Identifiers: ClinVar variation 1802253 (VCV001802253.3), dbSNP rs2468377257, ClinGen allele CA2580064385.

ClinVar aggregate classification (germline): Pathogenic (1 of 4 stars; one submission).

Conditions:
Severe myoclonic epilepsy in infancy (DRVT). Also called: Epileptic encephalopathy, early infantile, 6 (Dravet syndrome); Dravet syndrome; SEVERE MYOCLONIC EPILEPSY OF INFANCY; DEVELOPMENTAL AND EPILEPTIC ENCEPHALOPATHY 6A; Severe Myoclonic Epilepsy in Infancy (SMEI). Identifiers: Orphanet 33069, MedGen C0751122, MONDO:0100135, OMIM 607208.

Submission:

Diagnostics Services (NGS), CSIR - Centre For Cellular And Molecular Biology
Classification: Pathogenic for Severe myoclonic epilepsy in infancy. Last evaluated: 2022-10-12. Review status: criteria provided, single submitter. Criteria: ACMG Guidelines, 2015. Collection method: clinical testing. Allele origin: unknown. Affected: yes. Observed: 1 variant allele, 1 heterozygote.
Comment: The c.4478del variant is not present in publicly available population databases like 1000 Genomes, ExAC, EVS, gnomAD, Indian Exome Database or our in-house exome database. The variant has neither been published nor reported to clinical databases like ClinVar, Human Genome Mutation Database (HGMD) or OMIM in any affected individuals. In-silico pathogenicity prediction programs like MutationTaster2, CADD, Varsome, Franklin etc. predicted this variant to be likely deleterious. The variant causes a frameshift at the 1493rd amino acid position of the wild-type transcript, creating a premature translational stop signal at the 1500th amino acid position of the altered transcript, which may either result in translation of a truncated protein or cause nonsense mediated decay of the mRNA.